The following is an entry in ClinVar:

ClinVar aggregate classification (germline): Uncertain significance (1 of 4 stars; one submission).

Conditions:
Pulmonary fibrosis and/or bone marrow failure, Telomere-related, 3. Also called: PULMONARY FIBROSIS AND/OR BONE MARROW FAILURE SYNDROME, TELOMERE-RELATED, 3. Identifiers: Orphanet 2032, MedGen C4225346, MONDO:0014613, OMIM 616373.
Dyskeratosis congenita, autosomal recessive 5 (DKCB5). Identifiers: MedGen C3554656, MONDO:0014076, OMIM 615190.

gnomAD v4.1: 2 of 1,612,018 alleles (0.00012%); highest among the groups gnomAD compares: Non-Finnish European, 0.00017%; no homozygotes.

Submission:

Labcorp Genetics (formerly Invitae), Labcorp
Classification: Uncertain significance for Dyskeratosis congenita, autosomal recessive 5; Pulmonary fibrosis and/or bone marrow failure, Telomere-related, 3. Last evaluated: 2023-11-28. Review status: criteria provided, single submitter. Criteria: Invitae Variant Classification Sherloc (09022015). Collection method: clinical testing. Allele origin: germline.
Comment: This sequence change replaces proline, which is neutral and non-polar, with histidine, which is basic and polar, at codon 985 of the RTEL1 protein (p.Pro985His). This variant is not present in population databases (gnomAD no frequency). This variant has not been reported in the literature in individuals affected with RTEL1-related conditions. ClinVar contains an entry for this variant (Variation ID: 962715). An algorithm developed to predict the effect of missense changes on protein structure and function (PolyPhen-2) suggests that this variant is likely to be disruptive. In summary, the available evidence is currently insufficient to determine the role of this variant in disease. Therefore, it has been classified as a Variant of Uncertain Significance.

NM_001283009.2(RTEL1):c.2954C>A (p.Pro985His)

Genes: RTEL1 (regulator of telomere elongation helicase 1; plus strand), RTEL1-TNFRSF6B (RTEL1-TNFRSF6B readthrough (NMD candidate); plus strand). Cytogenetic location: 20q13.33.
Variant type: single nucleotide variant.
Coding change: c.2954C>A on transcript NM_001283009.2 (MANE Select); coding-DNA position 2954, C replaced by A.
Protein change: p.Pro985His; replaces proline 985 with histidine.
Molecular consequence: missense variant. On other transcripts: non-coding transcript variant (1).
Genome position (GRCh38, 1-based): chr20:63,693,245, C>A. VCF-style: chr20-63693245-C-A. GRCh37 (hg19) VCF-style: chr20-62324598-C-A.
Other names: c.2285C>A, p.Pro762His (NM_001283010.1); c.2954C>A, p.Pro985His (NM_016434.4); c.3026C>A, p.Pro1009His (NM_032957.5); short protein forms P1009H, P985H, P762H.
Identifiers: ClinVar variation 962715 (VCV000962715.8), dbSNP rs1462195263, ClinGen allele CA409683373.